The following is an entry in ClinVar:

NM_014855.3(AP5Z1):c.691C>T (p.Arg231Cys)

Gene: AP5Z1 (adaptor related protein complex 5 subunit zeta 1; plus strand). Cytogenetic location: 7p22.1.
Variant type: single nucleotide variant.
Coding change: c.691C>T on transcript NM_014855.3 (MANE Select); coding-DNA position 691, C replaced by T.
Protein change: p.Arg231Cys; replaces arginine 231 with cysteine.
Molecular consequence: missense variant. On other transcripts: non-coding transcript variant (1).
Genome position (GRCh38, 1-based): chr7:4,784,272, C>T. VCF-style: chr7-4784272-C-T. GRCh37 (hg19) VCF-style: chr7-4823903-C-T.
Other names: p.Arg231Cys; c.691C>T, p.Arg231Cys (LRG_1247t1); c.223C>T, p.Arg75Cys (NM_001364858.1); short protein forms R231C, R75C.
Identifiers: ClinVar variation 538859 (VCV000538859.17), dbSNP rs774832344, ClinGen allele CA4137320.

ClinVar aggregate classification (germline): Uncertain significance. Review status: criteria provided, multiple submitters, no conflicts (2 of 4 stars). 5 submissions from 5 submitters: Uncertain significance (5). Last evaluated 2025-07-29.

Conditions:
Inborn genetic diseases. Identifiers: MedGen C0950123, MeSH D030342.
Hereditary spastic paraplegia 48. Also called: SPASTIC PARAPLEGIA 48, AUTOSOMAL RECESSIVE; Spastic paraplegia 48. Identifiers: Orphanet 306511, MedGen C3150901, MONDO:0013342, OMIM 613647.

Allele frequency attached by ClinVar (database versions not stated): gnomAD exomes 0.00009 and 0.00016; gnomAD 0.00015 and 0.00016; ExAC 0.00016; TOPMed 0.00019.
gnomAD v4.1: 253 of 1,600,608 alleles (0.016%); highest among the groups gnomAD compares: Middle Eastern, 0.21%; 1 homozygote.

Submissions (5):

GeneDx
Classification: Uncertain significance. Last evaluated: 2025-07-29. Review status: criteria provided, single submitter. Criteria: GeneDx Variant Classification Process June 2021. Collection method: clinical testing. Allele origin: germline. Affected: yes.
Comment: In silico analysis suggests that this missense variant does not alter protein structure/function; Has not been previously published as pathogenic or benign to our knowledge

Ambry Genetics
Classification: Uncertain significance for Inborn genetic diseases. Last evaluated: 2025-02-20. Review status: criteria provided, single submitter. Criteria: Ambry Variant Classification Scheme 2023. Collection method: clinical testing. Allele origin: germline.

Labcorp Genetics (formerly Invitae), Labcorp
Classification: Uncertain significance for Hereditary spastic paraplegia 48. Last evaluated: 2022-10-01. Review status: criteria provided, single submitter. Criteria: Invitae Variant Classification Sherloc (09022015). Collection method: clinical testing. Allele origin: germline.
Comment: This sequence change replaces arginine, which is basic and polar, with cysteine, which is neutral and slightly polar, at codon 231 of the AP5Z1 protein (p.Arg231Cys). This variant is present in population databases (rs774832344, gnomAD 0.02%). This variant has not been reported in the literature in individuals affected with AP5Z1-related conditions. ClinVar contains an entry for this variant (Variation ID: 538859). Advanced modeling of protein sequence and biophysical properties (such as structural, functional, and spatial information, amino acid conservation, physicochemical variation, residue mobility, and thermodynamic stability) performed at Invitae indicates that this missense variant is not expected to disrupt AP5Z1 protein function. In summary, the available evidence is currently insufficient to determine the role of this variant in disease. Therefore, it has been classified as a Variant of Uncertain Significance.

Mayo Clinic Laboratories, Mayo Clinic
Classification: Uncertain significance. Last evaluated: 2022-01-04. Review status: criteria provided, single submitter. Criteria: ACMG Guidelines, 2015. Collection method: clinical testing. Allele origin: germline.

Illumina Laboratory Services, Illumina
Classification: Uncertain significance for Hereditary spastic paraplegia 48. Last evaluated: 2018-01-13. Review status: criteria provided, single submitter. Criteria: ICSL Variant Classification Criteria 13 December 2019. Collection method: clinical testing. Allele origin: germline.